The following is an entry in ClinVar:

ClinVar aggregate classification (germline): Pathogenic (1 of 4 stars; one submission).

Conditions:
Walker-Warburg congenital muscular dystrophy. Also called: Muscular dystrophy-dystroglycanopathy, type A; Walker-Warburg syndrome. Identifiers: Orphanet 899, MedGen C0265221, MONDO:0000171.
Muscular dystrophy-dystroglycanopathy (congenital with impaired intellectual development), type B, 1. Also called: MUSCULAR DYSTROPHY, CONGENITAL, POMT1-RELATED; Muscular dystrophy-dystroglycanopathy (congenital with intellectual disability), type B1. Identifiers: MedGen C5436962, MONDO:0013159, OMIM 613155.
Autosomal recessive limb-girdle muscular dystrophy type 2K. Also called: MUSCULAR DYSTROPHY-DYSTROGLYCANOPATHY (LIMB-GIRDLE), TYPE C, 1; MUSCULAR DYSTROPHY, LIMB-GIRDLE, TYPE 2K. Identifiers: Orphanet 86812, MedGen C1836373, MONDO:0012248, OMIM 609308.

Submission:

Labcorp Genetics (formerly Invitae), Labcorp
Classification: Pathogenic for Muscular dystrophy-dystroglycanopathy (congenital with impaired intellectual development), type B, 1; Walker-Warburg congenital muscular dystrophy; Autosomal recessive limb-girdle muscular dystrophy type 2K. Last evaluated: 2024-01-03. Review status: criteria provided, single submitter. Criteria: Invitae Variant Classification Sherloc (09022015). Collection method: clinical testing. Allele origin: germline.
Comment: This sequence change creates a premature translational stop signal (p.Asn144Lysfs*9) in the POMT1 gene. It is expected to result in an absent or disrupted protein product. Loss-of-function variants in POMT1 are known to be pathogenic (PMID: 12369018, 15637732, 16575835). This variant is not present in population databases (gnomAD no frequency). This variant has not been reported in the literature in individuals affected with POMT1-related conditions. For these reasons, this variant has been classified as Pathogenic.

Literature cited by the submitters: PubMed 12369018; PubMed 15637732; PubMed 16575835.

NM_001077365.2(POMT1):c.432del (p.Asn144fs)

Gene: POMT1 (protein O-mannosyltransferase 1; plus strand). Cytogenetic location: 9q34.13.
Variant type: Deletion.
Coding change: c.432del on transcript NM_001077365.2 (MANE Select); coding-DNA position 432, one base deleted (T; older notation c.432delT).
Protein change: p.Asn144fs; shifts the reading frame from asparagine 144.
Molecular consequence: frameshift variant. On other transcripts: 5 prime UTR variant (3), non-coding transcript variant (8).
Genome position (GRCh38, 1-based): chr9:131,508,915, T deleted. VCF-style (leftmost placement, unchanged base first): chr9-131508914-AT-A. GRCh37 (hg19) VCF-style: chr9-134384301-AT-A.
Other names: c.432del, p.Asn144fs (NM_001353193.2, NM_001374690.1, NM_007171.4 and 1 more transcripts); c.270del, p.Asn90fs (NM_001353194.2, NM_001353197.2, NM_001353198.2 and 3 more transcripts); c.81del, p.Asn27fs (NM_001353195.2, NM_001353199.2, NM_001374691.1 and 2 more transcripts); c.342del, p.Asn114fs (NM_001353196.2); c.-25del (NM_001353200.2, NM_001374695.1); c.-705del (NM_001411024.1); short protein forms N114fs, N90fs, N144fs, N27fs.
Identifiers: ClinVar variation 2952640 (VCV002952640.3), dbSNP rs2539111862, ClinGen allele CA2740092886.